The following is an entry in ClinVar:

ClinVar aggregate classification (germline): Likely benign. Review status: criteria provided, multiple submitters, no conflicts (2 of 4 stars). 3 submissions from 3 submitters: Likely benign (3). Last evaluated 2026-01-23.

Conditions:
Galactosylceramide beta-galactosidase deficiency. Also called: Leukodystrophy, Globoid Cell; GALACTOCEREBROSIDASE DEFICIENCY; GALC DEFICIENCY; GLOBOID CELL LEUKOENCEPHALOPATHY; Krabbe Disease. Identifiers: Orphanet 487, MedGen C0023521, MONDO:0009499, OMIM 245200.
GALC-related disorder. Also called: GALC-related condition.

Allele frequency attached by ClinVar (database versions not stated): TOPMed 0.00006; ESP Exome Variant Server 0.00008; 1000 Genomes Project 30x 0.00016; 1000 Genomes Project 0.00020.
gnomAD v4.1: 126 of 1,605,240 alleles (0.0078%); highest among the groups gnomAD compares: Middle Eastern, 0.033%; no homozygotes.

Submissions (3):

PreventionGenetics, part of Exact Sciences
Classification: Likely benign for GALC-related condition. Last evaluated: 2026-01-23. Review status: criteria provided, single submitter. Criteria: ACMG Guidelines, 2015. Collection method: clinical testing. Allele origin: germline.
Comment: This variant is classified as likely benign based on ACMG/AMP sequence variant interpretation guidelines (Richards et al. 2015 PMID: 25741868, with internal and published modifications).

Labcorp Genetics (formerly Invitae), Labcorp
Classification: Likely benign for Galactosylceramide beta-galactosidase deficiency. Last evaluated: 2025-12-21. Review status: criteria provided, single submitter. Criteria: Invitae Variant Classification Sherloc (09022015). Collection method: clinical testing. Allele origin: germline.

Blueprint Genetics
Classification: Likely benign. Last evaluated: 2024-11-18. Review status: criteria provided, single submitter. Criteria: ACMG Guidelines, 2015. Collection method: clinical testing. Allele origin: germline.

NM_000153.4(GALC):c.1899G>A (p.Thr633=)

Gene: GALC (galactosylceramidase; minus strand). Cytogenetic location: 14q31.3.
Variant type: single nucleotide variant.
Coding change: c.1899G>A on transcript NM_000153.4 (MANE Select); coding-DNA position 1899, G replaced by A.
Protein change: p.Thr633=; no amino-acid change (threonine 633 retained).
Molecular consequence: synonymous variant.
Genome position (GRCh38, 1-based): chr14:87,939,917, C>T on the plus strand (G>A on the coding strand, the complement: GALC is on the minus strand). VCF-style: chr14-87939917-C-T. GRCh37 (hg19) VCF-style: chr14-88406261-C-T.
Other names: c.1830G>A, p.Thr610= (NM_001201401.2); c.1821G>A, p.Thr607= (NM_001201402.2).
Identifiers: ClinVar variation 755469 (VCV000755469.13), dbSNP rs370259898, ClinGen allele CA7296880.
Genomic context (GRCh38, chr14:87,939,917, plus strand): 5'-CACAACAAAAGAGCATTTTACCTCCAGACTCCAATCAGCAATACTTACCTTAATAGTTAA[C>T]GTGAGTGTATACCATTTTTTTGCTGTAACTTCAACACGTCCTAAAGCATATATAATCCAT-3'
Protein context (NP_000144.2, residues 623-643): EVTAKKWYTL[Thr633=]LTIKGHFTSG